The following is an entry in ClinVar:

NM_022114.4(PRDM16):c.2534C>T (p.Ala845Val)

Gene: PRDM16 (PR/SET domain 16; plus strand). Cytogenetic location: 1p36.32.
Variant type: single nucleotide variant.
Coding change: c.2534C>T on transcript NM_022114.4 (MANE Select); coding-DNA position 2534, C replaced by T.
Protein change: p.Ala845Val; replaces alanine 845 with valine.
Molecular consequence: missense variant.
Genome position (GRCh38, 1-based): chr1:3,412,731, C>T. VCF-style: chr1-3412731-C-T. GRCh37 (hg19) VCF-style: chr1-3329295-C-T.
Other names: c.2534C>T, p.Ala845Val (NM_199454.3); short protein forms A845V.
Identifiers: ClinVar variation 2142270 (VCV002142270.5), dbSNP rs779169196, ClinGen allele CA544502.

ClinVar aggregate classification (germline): Conflicting classifications of pathogenicity. Review status: criteria provided, conflicting classifications (1 of 4 stars). 2 submissions from 2 submitters: Uncertain significance (1); Likely benign (1). Last evaluated 2024-09-24.

Conditions:
Left ventricular noncompaction 8 (LVNC8). Identifiers: Orphanet 154, Orphanet 54260, MedGen C3809288, MONDO:0014152, OMIM 615373.

Allele frequency attached by ClinVar (database versions not stated): TOPMed 0.00001; gnomAD 0.00003.
gnomAD v4.1: 55 of 1,506,528 alleles (0.0037%); highest among the groups gnomAD compares: East Asian, 0.1%; no homozygotes.

Submissions (2):

Blueprint Genetics
Classification: Likely benign. Last evaluated: 2024-09-24. Review status: criteria provided, single submitter. Criteria: ACMG Guidelines, 2015. Collection method: clinical testing. Allele origin: germline.

Labcorp Genetics (formerly Invitae), Labcorp
Classification: Uncertain significance for Left ventricular noncompaction 8. Last evaluated: 2023-12-23. Review status: criteria provided, single submitter. Criteria: Invitae Variant Classification Sherloc (09022015). Collection method: clinical testing. Allele origin: germline.
Comment: This sequence change replaces alanine, which is neutral and non-polar, with valine, which is neutral and non-polar, at codon 845 of the PRDM16 protein (p.Ala845Val). The frequency data for this variant in the population databases is considered unreliable, as metrics indicate poor data quality at this position in the gnomAD database. This variant has not been reported in the literature in individuals affected with PRDM16-related conditions. ClinVar contains an entry for this variant (Variation ID: 2142270). An algorithm developed to predict the effect of missense changes on protein structure and function (PolyPhen-2) suggests that this variant is likely to be tolerated. In summary, the available evidence is currently insufficient to determine the role of this variant in disease. Therefore, it has been classified as a Variant of Uncertain Significance.